The following is an entry in ClinVar:

ClinVar aggregate classification (germline): Uncertain significance (1 of 4 stars; one submission).

Conditions:
Congenital disorder of glycosylation type 1E (CDG1E). Also called: CONGENITAL DISORDER OF GLYCOSYLATION, TYPE Ie; CDG Ie. Identifiers: Orphanet 79322, MedGen C1837396, MONDO:0012123, OMIM 608799.

gnomAD v4.1: 10 of 1,611,596 alleles (0.00062%); highest among the groups gnomAD compares: Middle Eastern, 0.066%; no homozygotes.

Submission:

Labcorp Genetics (formerly Invitae), Labcorp
Classification: Uncertain significance for Congenital disorder of glycosylation type 1E. Last evaluated: 2022-06-04. Review status: criteria provided, single submitter. Criteria: Invitae Variant Classification Sherloc (09022015). Collection method: clinical testing. Allele origin: germline.
Comment: This sequence change replaces tyrosine, which is neutral and polar, with phenylalanine, which is neutral and non-polar, at codon 58 of the DPM1 protein (p.Tyr58Phe). This variant is not present in population databases (gnomAD no frequency). This variant has not been reported in the literature in individuals affected with DPM1-related conditions. ClinVar contains an entry for this variant (Variation ID: 574155). Algorithms developed to predict the effect of missense changes on protein structure and function (SIFT, PolyPhen-2, Align-GVGD) all suggest that this variant is likely to be tolerated. In summary, the available evidence is currently insufficient to determine the role of this variant in disease. Therefore, it has been classified as a Variant of Uncertain Significance.

NM_003859.3(DPM1):c.173A>T (p.Tyr58Phe)

Gene: DPM1 (dolichyl-phosphate mannosyltransferase subunit 1, catalytic; minus strand). Cytogenetic location: 20q13.13.
Variant type: single nucleotide variant.
Coding change: c.173A>T on transcript NM_003859.3 (MANE Select); coding-DNA position 173, A replaced by T.
Protein change: p.Tyr58Phe; replaces tyrosine 58 with phenylalanine.
Molecular consequence: missense variant. On other transcripts: non-coding transcript variant (1).
Genome position (GRCh38, 1-based): chr20:50,955,274, T>A on the plus strand (A>T on the coding strand, the complement: DPM1 is on the minus strand). VCF-style: chr20-50955274-T-A. GRCh37 (hg19) VCF-style: chr20-49571811-T-A.
Other names: c.173A>T, p.Tyr58Phe (NM_001317034.1, NM_001317035.1, NM_001317036.1); short protein forms Y58F.
Identifiers: ClinVar variation 574155 (VCV000574155.8), dbSNP rs1040795570, ClinGen allele CA315260249.
Genomic context (GRCh38, chr20:50,955,274, plus strand): 5'-AACTGTTCAGCAACATCCCTTGTTCCATCTGGGCTTCCATCATCTATGATTATAATTTCA[T>A]AGTTGATTCCACTAAAAAAATTAAATTTGTATTAATGACTGATGACAGTGTTCTCAAATT-3'
Protein context (NP_003850.1, residues 48-68): VKSFSESGIN[Tyr58Phe]EIIIIDDGSP